The following is an entry in ClinVar:

ClinVar aggregate classification (germline): Pathogenic (1 of 4 stars; one submission).

Submission:

Labcorp Genetics (formerly Invitae), Labcorp
Classification: Pathogenic. Last evaluated: 2025-06-12. Review status: criteria provided, single submitter. Criteria: Invitae Variant Classification Sherloc (09022015). Collection method: clinical testing. Allele origin: germline.
Comment: This sequence change creates a premature translational stop signal (p.Tyr858*) in the TRPM6 gene. It is expected to result in an absent or disrupted protein product. Loss-of-function variants in TRPM6 are known to be pathogenic (PMID: 16107578). This variant is not present in population databases (gnomAD no frequency). This variant has not been reported in the literature in individuals affected with TRPM6-related conditions. Algorithms developed to predict the effect of sequence changes on RNA splicing suggest that this variant may disrupt the consensus splice site. For these reasons, this variant has been classified as Pathogenic.

Literature cited by the submitters: PubMed 16107578.

NM_017662.5(TRPM6):c.2573dup (p.Tyr858Ter)

Gene: TRPM6 (transient receptor potential cation channel subfamily M member 6; minus strand). Cytogenetic location: 9q21.13.
Variant type: Duplication.
Coding change: c.2573dup on transcript NM_017662.5 (MANE Select); coding-DNA position 2573, one base duplicated (A; older notation c.2573dupA).
Protein change: p.Tyr858Ter; replaces tyrosine 858 with a stop codon.
Molecular consequence: nonsense.
Genome position (GRCh38, 1-based): chr9:74,788,708, T duplicated on the plus strand (A on the coding strand, the reverse complement: TRPM6 is on the minus strand). VCF-style (leftmost placement, unchanged base first): chr9-74788707-G-GT. GRCh37 (hg19) VCF-style: chr9-77403623-G-GT.
Other names: c.2558dup, p.Tyr853Ter (NM_001177310.2, NM_001177311.2); short protein forms Y853*, Y858*.
Identifiers: ClinVar variation 4715853 (VCV004715853.1).
Genomic context (GRCh38, chr9:74,788,707, plus strand): 5'-GTAAATGCTAACAAGCCACTCCTGCACGCTGGGCTGGGGCTGCATCTCCACCAACACGGT[G>GT]TAAGTGAACAGCATGAGGAATGCCAAATACGCCATCTGTGAGGGGGACACACATTCCCCA-3'